The following is an entry in ClinVar:

ClinVar aggregate classification (germline): Benign. Review status: criteria provided, multiple submitters, no conflicts (2 of 4 stars). 6 submissions from 6 submitters: Benign (6). Last evaluated 2026-01-27.

Conditions:
Cataract 18 (CATC2). Also called: CATARACT 18, AUTOSOMAL RECESSIVE. Identifiers: Orphanet 91492, Orphanet 98991, Orphanet 98992, Orphanet 98995, MedGen C1864908, MONDO:0012395, OMIM 610019.

Allele frequency attached by ClinVar (database versions not stated): ESP Exome Variant Server 0.00092; TOPMed 0.07160; gnomAD 0.07989 and 0.08749; 1000 Genomes Project 30x 0.10259; 1000 Genomes Project 0.10523; gnomAD exomes 0.11494 and 0.12442; ExAC 0.12633.
gnomAD v4.1: 181,610 of 1,613,960 alleles (11%); highest among the groups gnomAD compares: South Asian, 34%; 13,741 homozygotes.

Submissions (6):

Labcorp Genetics (formerly Invitae), Labcorp
Classification: Benign for Cataract 18. Last evaluated: 2026-01-27. Review status: criteria provided, single submitter. Criteria: Invitae Variant Classification Sherloc (09022015). Collection method: clinical testing. Allele origin: germline.

Genome-Nilou Lab
Classification: Benign for Cataract 18. Last evaluated: 2021-08-10. Review status: criteria provided, single submitter. Criteria: ACMG Guidelines, 2015. Collection method: clinical testing. Allele origin: germline. Affected: no.

GeneDx
Classification: Benign. Last evaluated: 2018-05-10. Review status: criteria provided, single submitter. Criteria: GeneDx Variant Classification (06012015). Collection method: clinical testing. Allele origin: germline. Affected: yes.
Comment: This variant is considered likely benign or benign based on one or more of the following criteria: it is a conservative change, it occurs at a poorly conserved position in the protein, it is predicted to be benign by multiple in silico algorithms, and/or has population frequency not consistent with disease.

Illumina Laboratory Services, Illumina
Classification: Benign for Cataract 18. Last evaluated: 2018-01-13. Review status: criteria provided, single submitter. Criteria: ICSL Variant Classification Criteria 13 December 2019. Collection method: clinical testing. Allele origin: germline.
Comment: This variant was observed in the ICSL laboratory as part of a predisposition screen in an ostensibly healthy population. It had not been previously curated by ICSL or reported in the Human Gene Mutation Database (HGMD: prior to June 1st, 2018), and was therefore a candidate for classification through an automated scoring system. Utilizing variant allele frequency, disease prevalence and penetrance estimates, and inheritance mode, an automated score was calculated to assess if this variant is too frequent to cause the disease. Based on the score and internal cut-off values, a variant classified as benign is not then subjected to further curation. The score for this variant resulted in a classification of benign for this disease.

Breakthrough Genomics
Classification: Benign. Review status: criteria provided, single submitter. Criteria: ACMG Guidelines, 2015. Collection method: not provided. Allele origin: germline. Inheritance: Autosomal recessive inheritance. Affected: yes.

PreventionGenetics, part of Exact Sciences
Classification: Benign. Review status: criteria provided, single submitter. Criteria: ACMG Guidelines, 2015. Collection method: clinical testing. Allele origin: germline.

NM_024513.4(FYCO1):c.3003C>A (p.Asn1001Lys)

Gene: FYCO1 (FYVE and coiled-coil domain autophagy adaptor 1; minus strand). Cytogenetic location: 3p21.31.
Variant type: single nucleotide variant.
Coding change: c.3003C>A on transcript NM_024513.4 (MANE Select); coding-DNA position 3003, C replaced by A.
Protein change: p.Asn1001Lys; replaces asparagine 1001 with lysine.
Molecular consequence: missense variant.
Genome position (GRCh38, 1-based): chr3:45,966,331, G>T on the plus strand (C>A on the coding strand, the complement: FYCO1 is on the minus strand). VCF-style: chr3-45966331-G-T. GRCh37 (hg19) VCF-style: chr3-46007823-G-T.
Other names: short protein forms N1001K.
Identifiers: ClinVar variation 261729 (VCV000261729.17), dbSNP rs13079478, ClinGen allele CA2352921.